The following is an entry in ClinVar:

ClinVar aggregate classification (germline): Uncertain significance (1 of 4 stars; one submission).

Submission:

Labcorp Genetics (formerly Invitae), Labcorp
Classification: Uncertain significance. Last evaluated: 2022-03-23. Review status: criteria provided, single submitter. Criteria: Invitae Variant Classification Sherloc (09022015). Collection method: clinical testing. Allele origin: germline.
Comment: This sequence change replaces glycine, which is neutral and non-polar, with valine, which is neutral and non-polar, at codon 113 of the RORB protein (p.Gly113Val). This variant is not present in population databases (gnomAD no frequency). This variant has not been reported in the literature in individuals affected with RORB-related conditions. Algorithms developed to predict the effect of missense changes on protein structure and function are either unavailable or do not agree on the potential impact of this missense change (SIFT: "Deleterious"; PolyPhen-2: "Benign"; Align-GVGD: "Class C0"). In summary, the available evidence is currently insufficient to determine the role of this variant in disease. Therefore, it has been classified as a Variant of Uncertain Significance.

NM_006914.4(RORB):c.338G>T (p.Gly113Val)

Gene: RORB (RAR related orphan receptor B; plus strand). Cytogenetic location: 9q21.13.
Variant type: single nucleotide variant.
Coding change: c.338G>T on transcript NM_006914.4 (MANE Select); coding-DNA position 338, G replaced by T.
Protein change: p.Gly113Val; replaces glycine 113 with valine.
Molecular consequence: missense variant.
Genome position (GRCh38, 1-based): chr9:74,642,516, G>T. VCF-style: chr9-74642516-G-T. GRCh37 (hg19) VCF-style: chr9-77257432-G-T.
Other names: c.371G>T, p.Gly124Val (NM_001365023.1); short protein forms G113V, G124V.
Identifiers: ClinVar variation 2116119 (VCV002116119.4), dbSNP rs2489583449, ClinGen allele CA373769641.
Genomic context (GRCh38, chr9:74,642,516, plus strand): 5'-TGTATGCTGAGGTGCAGAAGCACCAGCAGCGGCTGCAGGAACAGCGGCAGCAGCAGAGTG[G>T]GGAGGCAGAAGCCCTTGCCAGGGTGTACAGCAGCAGCATTAGCAACGGCCTGAGCAACCT-3'
Protein context (NP_008845.2, residues 103-123): RLQEQRQQQS[Gly113Val]EAEALARVYS